The following is an entry in ClinVar:

ClinVar aggregate classification (germline): Uncertain significance (1 of 4 stars; one submission).

Conditions:
Juvenile polyposis syndrome (JPS). Identifiers: Orphanet 2929, MedGen C0345893, MONDO:0017380, OMIM 174900.

Submission:

Labcorp Genetics (formerly Invitae), Labcorp
Classification: Uncertain significance for Juvenile polyposis syndrome. Last evaluated: 2024-01-17. Review status: criteria provided, single submitter. Criteria: Invitae Variant Classification Sherloc (09022015). Collection method: clinical testing. Allele origin: germline.
Comment: This sequence change replaces cysteine, which is neutral and slightly polar, with arginine, which is basic and polar, at codon 123 of the SMAD4 protein (p.Cys123Arg). This variant is not present in population databases (gnomAD no frequency). This variant has not been reported in the literature in individuals affected with SMAD4-related conditions. ClinVar contains an entry for this variant (Variation ID: 567274). Advanced modeling of protein sequence and biophysical properties (such as structural, functional, and spatial information, amino acid conservation, physicochemical variation, residue mobility, and thermodynamic stability) has been performed at Invitae for this missense variant, however the output from this modeling did not meet the statistical confidence thresholds required to predict the impact of this variant on SMAD4 protein function. In summary, the available evidence is currently insufficient to determine the role of this variant in disease. Therefore, it has been classified as a Variant of Uncertain Significance.

NM_005359.6(SMAD4):c.367T>C (p.Cys123Arg)

Gene: SMAD4 (SMAD family member 4; plus strand). Cytogenetic location: 18q21.2.
Variant type: single nucleotide variant.
Coding change: c.367T>C on transcript NM_005359.6 (MANE Select); coding-DNA position 367, T replaced by C.
Protein change: p.Cys123Arg; replaces cysteine 123 with arginine.
Molecular consequence: missense variant.
Genome position (GRCh38, 1-based): chr18:51,048,803, T>C. VCF-style: chr18-51048803-T-C. GRCh37 (hg19) VCF-style: chr18-48575173-T-C.
Other names: short protein forms C123R.
Identifiers: ClinVar variation 567274 (VCV000567274.10), dbSNP rs1568203472, ClinGen allele CA402458584.